The following is an entry in ClinVar:

NM_012470.4(TNPO3):c.1276A>G (p.Thr426Ala)

Gene: TNPO3 (transportin 3; minus strand). Cytogenetic location: 7q32.1.
Variant type: single nucleotide variant.
Coding change: c.1276A>G on transcript NM_012470.4 (MANE Select); coding-DNA position 1276, A replaced by G.
Protein change: p.Thr426Ala; replaces threonine 426 with alanine.
Molecular consequence: missense variant. On other transcripts: non-coding transcript variant (16).
Genome position (GRCh38, 1-based): chr7:128,992,081, T>C on the plus strand (A>G on the coding strand, the complement: TNPO3 is on the minus strand). VCF-style: chr7-128992081-T-C. GRCh37 (hg19) VCF-style: chr7-128632135-T-C.
Other names: c.1276A>G, p.Thr426Ala (NM_001191028.3, NM_001382216.1, NM_001382218.1 and 2 more transcripts); c.1357A>G, p.Thr453Ala (NM_001382217.1); c.1168A>G, p.Thr390Ala (NM_001382219.1); c.1132A>G, p.Thr378Ala (NM_001382221.1); c.1129A>G, p.Thr377Ala (NM_001382222.1); short protein forms T426A, T453A, T377A, T390A, T378A.
Identifiers: ClinVar variation 1483585 (VCV001483585.6), dbSNP rs2150354070, ClinGen allele CA369231800.

ClinVar aggregate classification (germline): Uncertain significance (1 of 4 stars; one submission).

Conditions:
Autosomal dominant limb-girdle muscular dystrophy type 1F (LGMDD2). Also called: Limb-girdle muscular dystrophy, type 1F; MUSCULAR DYSTROPHY, LIMB-GIRDLE, AUTOSOMAL DOMINANT 2. Identifiers: Orphanet 55595, MedGen C1842062, MONDO:0012034, OMIM 608423.

gnomAD v4.1: 1 of 1,595,092 alleles (0.000063%); highest among the groups gnomAD compares: East Asian, 0.0023%; no homozygotes.

Submission:

Labcorp Genetics (formerly Invitae), Labcorp
Classification: Uncertain significance for Autosomal dominant limb-girdle muscular dystrophy type 1F. Last evaluated: 2022-02-08. Review status: criteria provided, single submitter. Criteria: Invitae Variant Classification Sherloc (09022015). Collection method: clinical testing. Allele origin: germline.
Comment: In summary, the available evidence is currently insufficient to determine the role of this variant in disease. Therefore, it has been classified as a Variant of Uncertain Significance. Algorithms developed to predict the effect of missense changes on protein structure and function (SIFT, PolyPhen-2, Align-GVGD) all suggest that this variant is likely to be tolerated. This sequence change replaces threonine, which is neutral and polar, with alanine, which is neutral and non-polar, at codon 426 of the TNPO3 protein (p.Thr426Ala). This variant is not present in population databases (gnomAD no frequency). This variant has not been reported in the literature in individuals affected with TNPO3-related conditions.